The following is an entry in ClinVar:

ClinVar aggregate classification (germline): Uncertain significance. Review status: criteria provided, multiple submitters, no conflicts (2 of 4 stars). 4 submissions from 4 submitters: Uncertain significance (4). Last evaluated 2025-11-13.

Conditions:
Inborn genetic diseases. Identifiers: MedGen C0950123, MeSH D030342.
Fetal akinesia deformation sequence 1 (FADS1). Also called: Fetal akinesia sequence; Pena-Shokeir syndrome type I. Identifiers: Orphanet 994, MedGen C1276035, MONDO:0100101, OMIM 208150, HP:0001989.
Congenital myasthenic syndrome 10. Also called: Myasthenia, limb-girdle, familial. Identifiers: Orphanet 590, MedGen C1850792, MONDO:0009690, OMIM 254300.
Fetal akinesia deformation sequence 3. Identifiers: MedGen C4760599, MONDO:0100103, OMIM 618389.

Allele frequency attached by ClinVar (database versions not stated): ExAC 0.00003; gnomAD 0.00004; gnomAD exomes 0.00004; TOPMed 0.00005; ESP Exome Variant Server 0.00008.
gnomAD v4.1: 32 of 1,602,186 alleles (0.002%); highest among the groups gnomAD compares: Admixed American, 0.0051%; no homozygotes.

Submissions (4):

Ambry Genetics
Classification: Uncertain significance for Inborn genetic diseases. Last evaluated: 2025-11-13. Review status: criteria provided, single submitter. Criteria: Ambry Variant Classification Scheme 2023. Collection method: clinical testing. Allele origin: germline.

Labcorp Genetics (formerly Invitae), Labcorp
Classification: Uncertain significance for Congenital myasthenic syndrome 10; Fetal akinesia deformation sequence 1. Last evaluated: 2022-09-01. Review status: criteria provided, single submitter. Criteria: Invitae Variant Classification Sherloc (09022015). Collection method: clinical testing. Allele origin: germline.
Comment: This sequence change replaces valine, which is neutral and non-polar, with isoleucine, which is neutral and non-polar, at codon 181 of the DOK7 protein (p.Val181Ile). This variant is present in population databases (rs146076204, gnomAD 0.007%). This variant has not been reported in the literature in individuals affected with DOK7-related conditions. ClinVar contains an entry for this variant (Variation ID: 942139). Algorithms developed to predict the effect of missense changes on protein structure and function are either unavailable or do not agree on the potential impact of this missense change (SIFT: "Deleterious"; PolyPhen-2: "Possibly Damaging"; Align-GVGD: "Class C0"). In summary, the available evidence is currently insufficient to determine the role of this variant in disease. Therefore, it has been classified as a Variant of Uncertain Significance.

Fulgent Genetics
Classification: Uncertain significance for Congenital myasthenic syndrome 10; Fetal akinesia deformation sequence 3. Last evaluated: 2022-03-06. Review status: criteria provided, single submitter. Criteria: ACMG Guidelines, 2015. Collection method: clinical testing. Allele origin: unknown.

Revvity Omics, Revvity
Classification: Uncertain significance. Last evaluated: 2021-04-06. Review status: criteria provided, single submitter. Criteria: ACMG Guidelines, 2015. Collection method: clinical testing. Allele origin: germline.

NM_173660.5(DOK7):c.541G>A (p.Val181Ile)

Genes: DOK7 (docking protein 7; plus strand), LOC126806951 (CDK7 strongly-dependent group 2 enhancer GRCh37_chr4:3486115-3487314; plus strand). Cytogenetic location: 4p16.3.
Variant type: single nucleotide variant.
Coding change: c.541G>A on transcript NM_173660.5 (MANE Select); coding-DNA position 541, G replaced by A.
Protein change: p.Val181Ile; replaces valine 181 with isoleucine.
Molecular consequence: missense variant. On other transcripts: 5 prime UTR variant (1).
Genome position (GRCh38, 1-based): chr4:3,485,547, G>A. VCF-style: chr4-3485547-G-A. GRCh37 (hg19) VCF-style: chr4-3487274-G-A.
Other names: c.530G>A, p.Arg177His (NM_001164673.2); c.-390G>A (NM_001256896.2); c.541G>A, p.Val181Ile (NM_001301071.2); c.109G>A, p.Val37Ile (NM_001363811.2); short protein forms V181I, R177H, V37I.
Identifiers: ClinVar variation 942139 (VCV000942139.10), dbSNP rs146076204, ClinGen allele CA2829055.